The following is an entry in ClinVar:

ClinVar aggregate classification (germline): Uncertain significance (1 of 4 stars; one submission).

Conditions:
WLS-related disorder. Also called: WLS-related condition.

gnomAD v4.1: 1 of 1,614,042 alleles (0.000062%); highest among the groups gnomAD compares: Non-Finnish European, 0.000085%; no homozygotes.

Submission:

PreventionGenetics, part of Exact Sciences
Classification: Uncertain significance for WLS-related condition. Last evaluated: 2024-12-11. Review status: criteria provided, single submitter. Criteria: ACMG Guidelines, 2015. Collection method: clinical testing. Allele origin: germline.
Comment: The WLS c.1271A>T variant is predicted to result in the amino acid substitution p.Glu424Val. To our knowledge, this variant has not been reported in the literature or in a large population database (gnomAD), indicating this variant is rare. At this time, the clinical significance of this variant is uncertain due to the absence of conclusive functional and genetic evidence.

NM_024911.7(WLS):c.1277A>T (p.Glu426Val)

Genes: GNG12-AS1 (GNG12, DIRAS3 and WLS antisense RNA 1; plus strand), WLS (Wnt ligand secretion mediator; minus strand). Cytogenetic location: 1p31.3.
Variant type: single nucleotide variant.
Coding change: c.1277A>T on transcript NM_024911.7 (MANE Select); coding-DNA position 1277, A replaced by T.
Protein change: p.Glu426Val; replaces glutamic acid 426 with valine.
Molecular consequence: missense variant.
Genome position (GRCh38, 1-based): chr1:68,145,870, T>A on the plus strand (A>T on the coding strand, the complement: WLS is on the minus strand). VCF-style: chr1-68145870-T-A. GRCh37 (hg19) VCF-style: chr1-68611553-T-A.
Other names: c.1271A>T, p.Glu424Val (NM_001002292.4); c.1004A>T, p.Glu335Val (NM_001193334.1); short protein forms E424V, E335V, E426V.
Identifiers: ClinVar variation 5002372 (VCV005002372.1).